The following is an entry in ClinVar:

ClinVar aggregate classification (germline): Benign/Likely benign. Review status: criteria provided, multiple submitters, no conflicts (2 of 4 stars). 3 submissions from 3 submitters: Benign (1); Likely benign (1). 1 of the submissions does not count toward it. Last evaluated 2026-01-26.

Conditions:
IL23R-related disorder. Also called: IL23R-related condition.

Allele frequency attached by ClinVar (database versions not stated): gnomAD exomes 0.00017 and 0.00052; ExAC 0.00068; ESP Exome Variant Server 0.00169; TOPMed 0.00170; 1000 Genomes Project 0.00200; gnomAD 0.00185; 1000 Genomes Project 30x 0.00187.
gnomAD v4.1: 538 of 1,613,818 alleles (0.033%); highest among the groups gnomAD compares: African/African-American, 0.51%; 3 homozygotes.

Submissions (3):

Labcorp Genetics (formerly Invitae), Labcorp
Classification: Benign. Last evaluated: 2026-01-26. Review status: criteria provided, single submitter. Criteria: Invitae Variant Classification Sherloc (09022015). Collection method: clinical testing. Allele origin: germline.

Blueprint Genetics
Classification: Likely benign. Last evaluated: 2023-10-05. Review status: criteria provided, single submitter. Criteria: ACMG Guidelines, 2015. Collection method: clinical testing. Allele origin: germline.

PreventionGenetics, part of Exact Sciences
Classification: Likely benign for IL23R-related condition. Last evaluated: 2023-11-08. Review status: no assertion criteria provided. Collection method: clinical testing. Allele origin: germline. Not counted in ClinVar's aggregate classification.
Comment: This variant is classified as likely benign based on ACMG/AMP sequence variant interpretation guidelines (Richards et al. 2015 PMID: 25741868, with internal and published modifications).

NM_144701.3(IL23R):c.372G>A (p.Pro124=)

Gene: IL23R (interleukin 23 receptor; plus strand). Cytogenetic location: 1p31.3.
Variant type: single nucleotide variant.
Coding change: c.372G>A on transcript NM_144701.3 (MANE Select); coding-DNA position 372, G replaced by A.
Protein change: p.Pro124=; no amino-acid change (proline 124 retained).
Molecular consequence: synonymous variant.
Genome position (GRCh38, 1-based): chr1:67,182,840, G>A. VCF-style: chr1-67182840-G-A. GRCh37 (hg19) VCF-style: chr1-67648523-G-A.
Identifiers: ClinVar variation 735871 (VCV000735871.14), dbSNP rs143803981, ClinGen allele CA899700.